The following is an entry in ClinVar:

NM_001375567.1(FOCAD):c.4984C>T (p.His1662Tyr)

Gene: FOCAD (focadhesin; plus strand). Cytogenetic location: 9p21.3.
Variant type: single nucleotide variant.
Coding change: c.4984C>T on transcript NM_001375567.1 (MANE Select); coding-DNA position 4984, C replaced by T.
Protein change: p.His1662Tyr; replaces histidine 1662 with tyrosine.
Molecular consequence: missense variant.
Genome position (GRCh38, 1-based): chr9:20,988,409, C>T. VCF-style: chr9-20988409-C-T. GRCh37 (hg19) VCF-style: chr9-20988408-C-T.
Other names: c.4984C>T (NM_017794.3); c.4879C>T, p.His1627Tyr (NM_001375568.1, NM_001375570.1); c.4984C>T, p.His1662Tyr (NM_017794.5); short protein forms H1627Y, H1662Y.
Identifiers: ClinVar variation 3357018 (VCV003357018.3).

ClinVar aggregate classification (germline): Uncertain significance. Review status: criteria provided, multiple submitters, no conflicts (2 of 4 stars). 2 submissions from 2 submitters: Uncertain significance (2). Last evaluated 2026-09-04.

Conditions:
Inborn genetic diseases. Identifiers: MedGen C0950123, MeSH D030342.
FOCAD-related disorder. Also called: FOCAD-related condition.

gnomAD v4.1: 30 of 1,603,828 alleles (0.0019%); highest among the groups gnomAD compares: Admixed American, 0.01%; no homozygotes.

Submissions (2):

PreventionGenetics, part of Exact Sciences
Classification: Uncertain significance for FOCAD-related condition. Last evaluated: 2026-09-04. Review status: criteria provided, single submitter. Criteria: ACMG Guidelines, 2015. Collection method: clinical testing. Allele origin: germline.
Comment: The FOCAD c.4984C>T variant is predicted to result in the amino acid substitution p.His1662Tyr. To our knowledge, this variant has not been reported in the literature. This variant is reported in 0.011% of alleles in individuals of Latino descent in gnomAD and is reported as uncertain in ClinVar (Variation ID: 3357018). At this time, the clinical significance of this variant is uncertain due to the absence of conclusive functional and genetic evidence.

Ambry Genetics
Classification: Uncertain significance for Inborn genetic diseases. Last evaluated: 2025-01-17. Review status: criteria provided, single submitter. Criteria: Ambry Variant Classification Scheme 2023. Collection method: clinical testing. Allele origin: germline.